The following is an entry in ClinVar:

NM_001129.5(AEBP1):c.*8G>A

Gene: AEBP1 (AE binding protein 1; plus strand). Cytogenetic location: 7p13.
Variant type: single nucleotide variant.
Coding change: c.*8G>A on transcript NM_001129.5 (MANE Select); 8 bases downstream of the stop codon, G replaced by A.
Molecular consequence: 3 prime UTR variant.
Genome position (GRCh38, 1-based): chr7:44,114,269, G>A. VCF-style: chr7-44114269-G-A. GRCh37 (hg19) VCF-style: chr7-44153868-G-A.
Other names: c.*8G>A (NM_001129.4).
Identifiers: ClinVar variation 1301040 (VCV001301040.7), dbSNP rs3217972, ClinGen allele CA4238506.

ClinVar aggregate classification (germline): Benign/Likely benign. Review status: criteria provided, multiple submitters, no conflicts (2 of 4 stars). 5 submissions from 5 submitters: Benign (2); Likely benign (2). 1 of the submissions does not count toward it. Last evaluated 2025-03-05.

Conditions:
AEBP1-related disorder. Also called: AEBP1-related condition.

Allele frequency attached by ClinVar (database versions not stated): 1000 Genomes Project 0.00140; 1000 Genomes Project 30x 0.00187; ExAC 0.00246; gnomAD exomes 0.00269 and 0.00464; gnomAD 0.00318 and 0.00337; TOPMed 0.00367; ESP Exome Variant Server 0.00415.

Submissions (5):

Women's Health and Genetics/Laboratory Corporation of America, LabCorp
Classification: Benign. Last evaluated: 2025-03-05. Review status: criteria provided, single submitter. Criteria: LabCorp Variant Classification Summary - May 2015. Collection method: clinical testing. Allele origin: germline.
Comment: Variant summary: AEBP1 c.*8G>A is located in the untranslated mRNA region downstream of the termination codon. The variant allele was found at a frequency of 0.0045 in 1612616 control chromosomes, predominantly at a frequency of 0.0056 within the Non-Finnish European subpopulation in the gnomAD database, including 22 homozygotes. The observed variant frequency within Non-Finnish European control individuals in the gnomAD database is approximately 5 fold of the estimated maximal expected allele frequency for a pathogenic variant in AEBP1 causing Ehlers-Danlos syndrome, classic-like, 2 phenotype (0.0011). To our knowledge, no occurrence of c.*8G>A in individuals affected with Ehlers-Danlos syndrome, classic-like, 2 and no experimental evidence demonstrating its impact on protein function have been reported. ClinVar contains an entry for this variant (Variation ID: 1301040). Based on the evidence outlined above, the variant was classified as benign.

Blueprint Genetics
Classification: Likely benign. Last evaluated: 2024-11-25. Review status: criteria provided, single submitter. Criteria: ACMG Guidelines, 2015. Collection method: clinical testing. Allele origin: germline.

Mayo Clinic Laboratories, Mayo Clinic
Classification: Benign. Last evaluated: 2024-05-13. Review status: criteria provided, single submitter. Criteria: ACMG Guidelines, 2015. Collection method: clinical testing. Allele origin: germline. Observed: 35 variant alleles.
Comment: BS1, BS2, BP4

GeneDx
Classification: Likely benign. Last evaluated: 2021-04-13. Review status: criteria provided, single submitter. Criteria: GeneDx Variant Classification Process June 2021. Collection method: clinical testing. Allele origin: germline. Affected: yes.

PreventionGenetics, part of Exact Sciences
Classification: Likely benign for AEBP1-related condition. Last evaluated: 2019-07-18. Review status: no assertion criteria provided. Collection method: clinical testing. Allele origin: germline. Not counted in ClinVar's aggregate classification.
Comment: This variant is classified as likely benign based on ACMG/AMP sequence variant interpretation guidelines (Richards et al. 2015 PMID: 25741868, with internal and published modifications).